The following is an entry in ClinVar:

NM_001555.5(IGSF1):c.1955A>G (p.Gln652Arg)

Gene: IGSF1 (immunoglobulin superfamily member 1; minus strand). Cytogenetic location: Xq26.1.
Variant type: single nucleotide variant.
Coding change: c.1955A>G on transcript NM_001555.5 (MANE Select); coding-DNA position 1955, A replaced by G.
Protein change: p.Gln652Arg; replaces glutamine 652 with arginine.
Molecular consequence: missense variant.
Genome position (GRCh38, 1-based): chrX:131,278,547, T>C on the plus strand (A>G on the coding strand, the complement: IGSF1 is on the minus strand). VCF-style: chrX-131278547-T-C. GRCh37 (hg19) VCF-style: chrX-130412521-T-C.
Other names: c.1970A>G, p.Gln657Arg (NM_001170961.2); c.1928A>G, p.Gln643Arg (NM_001170962.2); short protein forms Q643R, Q652R, Q657R.
Identifiers: ClinVar variation 3026112 (VCV003026112.22), dbSNP rs372420485, ClinGen allele CA10517869.

ClinVar aggregate classification (germline): Likely benign (1 of 4 stars; one submission).

Allele frequency attached by ClinVar (database versions not stated): ExAC 0.00005; gnomAD 0.00005; TOPMed 0.00005; gnomAD exomes 0.00013; ESP Exome Variant Server 0.00019.
gnomAD v4.1: 142 of 1,209,698 alleles (0.012%); highest among the groups gnomAD compares: Non-Finnish European, 0.016%; no homozygotes.

Submission:

CeGaT Center for Human Genetics Tuebingen
Classification: Likely benign. Last evaluated: 2024-02-01. Review status: criteria provided, single submitter. Criteria: CeGaT Center For Human Genetics Tuebingen Variant Classification Criteria Version 2. Collection method: clinical testing. Allele origin: germline. Affected: yes. Observed: 1 variant allele.
Comment: IGSF1: BP4